The following is an entry in ClinVar:

NM_000237.3(LPL):c.88+2T>G

Gene: LPL (lipoprotein lipase; plus strand). Cytogenetic location: 8p21.3.
Variant type: single nucleotide variant.
Coding change: c.88+2T>G on transcript NM_000237.3 (MANE Select); the canonical splice donor site of the intron after coding-DNA position 88, T replaced by G.
Molecular consequence: splice donor variant.
Genome position (GRCh38, 1-based): chr8:19,939,530, T>G. VCF-style: chr8-19939530-T-G. GRCh37 (hg19) VCF-style: chr8-19797041-T-G.
Identifiers: ClinVar variation 4817967 (VCV004817967.1).
Genomic context (GRCh38, chr8:19,939,530, plus strand): 5'-TCTGGCCGTGTGGCTCCAGAGTCTGACCGCCTCCCGCGGAGGGGTGGCCGCCGCCGACCG[T>G]AAGTTTTGCGCGCAAACTCCCCTCCACCTGCAGACCCGGCGGGTGGCCACTGCCACCCGA-3'

ClinVar aggregate classification (germline): Pathogenic (1 of 4 stars; one submission).

Conditions:
Hyperlipoproteinemia, type I. Also called: HYPERLIPOPROTEINEMIA, TYPE IA; LPL DEFICIENCY; Hyperlipoproteinemia type 1; Hyperchylomicro-nemia familial; Familial chylomicronemia; Hyperlipemia idiopathic Burger-Grutz type. Identifiers: Orphanet 309015, Orphanet 444490, MedGen C0023817, MONDO:0009387, OMIM 238600. Disease mechanism: loss of function.

Submission:

Natera, Inc.
Classification: Pathogenic for Lipoprotein lipase deficiency. Last evaluated: 2026-01-15. Review status: criteria provided, single submitter. Criteria: Natera Variant Classification Schema (03/2026). Collection method: clinical testing. Allele origin: germline.
Comment: The c.88+2T>G variant in LPL is a canonical splice donor site variant predicted to affect pre-mRNA splicing, which may result in an abnormal transcript and altered protein product. This variant is expected to result in nonsense mediated decay, truncation, or a dysfunctional protein product. This variant is rare in the general population with a frequency below the threshold expected for the associated phenotype(s). This variant has been observed in one or more individuals affected with the associated recessive disease, as either homozygous or compound heterozygous with a second variant (PMID: 25966443). Given the available evidence, this variant is classified as Pathogenic.

Literature cited by the submitters: PubMed 25966443.